The following is an entry in ClinVar:

NM_002204.4(ITGA3):c.2706+9C>T

Gene: ITGA3 (integrin subunit alpha 3; plus strand). Cytogenetic location: 17q21.33.
Variant type: single nucleotide variant.
Coding change: c.2706+9C>T on transcript NM_002204.4 (MANE Select); 9 bases into the intron after coding-DNA position 2706, C replaced by T.
Molecular consequence: intron variant.
Genome position (GRCh38, 1-based): chr17:50,079,566, C>T. VCF-style: chr17-50079566-C-T. GRCh37 (hg19) VCF-style: chr17-48156930-C-T.
Identifiers: ClinVar variation 3039080 (VCV003039080.2), dbSNP rs775337732, ClinGen allele CA8641999.

ClinVar aggregate classification (germline): Likely benign (0 of 4 stars; one submission).

Conditions:
ITGA3-related disorder. Also called: ITGA3-related condition.

Allele frequency attached by ClinVar (database versions not stated): gnomAD exomes below 0.00001; ExAC 0.00001; gnomAD 0.00001; TOPMed 0.00001.
gnomAD v4.1: 3 of 1,516,510 alleles (0.0002%); highest among the groups gnomAD compares: South Asian, 0.0013%; no homozygotes.

Submission:

PreventionGenetics, part of Exact Sciences
Classification: Likely benign for ITGA3-related condition. Last evaluated: 2019-05-28. Review status: no assertion criteria provided. Collection method: clinical testing. Allele origin: germline.
Comment: This variant is classified as likely benign based on ACMG/AMP sequence variant interpretation guidelines (Richards et al. 2015 PMID: 25741868, with internal and published modifications).